The following is an entry in ClinVar:

NM_138694.4(PKHD1):c.8523del (p.Met2841fs)

Gene: PKHD1 (PKHD1 ciliary IPT domain containing fibrocystin/polyductin; minus strand). Cytogenetic location: 6p12.3.
Variant type: Deletion.
Coding change: c.8523del on transcript NM_138694.4 (MANE Select); coding-DNA position 8523, one base deleted (G; older notation c.8523delG).
Protein change: p.Met2841fs; shifts the reading frame from methionine 2841.
Molecular consequence: frameshift variant.
Genome position (GRCh38, 1-based): chr6:51,775,839, C deleted on the plus strand (G on the coding strand, the reverse complement: PKHD1 is on the minus strand). VCF-style (leftmost placement, unchanged base first): chr6-51775838-TC-T. GRCh37 (hg19) VCF-style: chr6-51640636-TC-T.
Other names: c.8523del, p.Met2841fs (NM_170724.3); short protein forms M2841fs.
Identifiers: ClinVar variation 5013193 (VCV005013193.1).

ClinVar aggregate classification (germline): Pathogenic (1 of 4 stars; one submission).

Conditions:
Polycystic kidney disease 4 (PKD4). Also called: POLYCYSTIC KIDNEY AND HEPATIC DISEASE 1; POLYCYSTIC KIDNEY DISEASE, INFANTILE, TYPE I; POLYCYSTIC KIDNEY DISEASE 4 WITH OR WITHOUT POLYCYSTIC LIVER DISEASE; PKD3; Autosomal Recessive Polycystic Kidney Disease – PKHD1. Identifiers: MedGen C4540575, MONDO:0033004, OMIM 263200.

Submission:

Myriad Genetics, Inc.
Classification: Pathogenic for Polycystic kidney disease 4. Last evaluated: 2024-06-17. Review status: criteria provided, single submitter. Criteria: Myriad Autosomal Dominant, Autosomal Recessive and X-Linked Classification Criteria (2023). Collection method: clinical testing. Allele origin: unknown.
Comment: NM_138694.3(PKHD1):c.8523delG(M2841Ifs*43) is expected to be pathogenic in the context of autosomal recessive polycystic kidney disease, PKHD1-related. This variant is predicted to lead to an abnormal or absent protein product due to the creation of a premature termination codon in PKHD1, a gene where loss-of-function variants are known to be pathogenic. Please note: this variant was assessed in the context of healthy population screening.